The following is an entry in ClinVar:

NM_177438.3(DICER1):c.7A>C (p.Ser3Arg)

Gene: DICER1 (dicer 1, ribonuclease III; minus strand). Cytogenetic location: 14q32.13.
Variant type: single nucleotide variant.
Coding change: c.7A>C on transcript NM_177438.3 (MANE Select); coding-DNA position 7, A replaced by C.
Protein change: p.Ser3Arg; replaces serine 3 with arginine.
Molecular consequence: missense variant.
Genome position (GRCh38, 1-based): chr14:95,133,452, T>G on the plus strand (A>C on the coding strand, the complement: DICER1 is on the minus strand). VCF-style: chr14-95133452-T-G. GRCh37 (hg19) VCF-style: chr14-95599789-T-G.
Other names: c.7A>C, p.Ser3Arg (NM_001195573.1, NM_001271282.3, NM_001291628.2 and 1 more transcripts); short protein forms S3R.
Identifiers: ClinVar variation 1047846 (VCV001047846.13), dbSNP rs1894132635, ClinGen allele CA390890844.

ClinVar aggregate classification (germline): Uncertain significance. Review status: criteria provided, multiple submitters, no conflicts (2 of 4 stars). 2 submissions from 2 submitters: Uncertain significance (2). Last evaluated 2025-06-27.

Conditions:
Hereditary cancer-predisposing syndrome. Also called: Hereditary neoplastic syndrome; Neoplastic Syndromes, Hereditary; Tumor predisposition; Hereditary Cancer Syndrome. Identifiers: Orphanet 140162, MedGen C0027672, MeSH D009386, MONDO:0015356.
DICER1-related tumor predisposition. Also called: DICER1 syndrome; DICER1-related pleuropulmonary blastoma cancer predisposition syndrome. Identifiers: Orphanet 284343, MedGen C3839822, MONDO:0100216.

Allele frequency attached by ClinVar (database versions not stated): gnomAD exomes 0.00001.
gnomAD v4.1: 11 of 1,612,798 alleles (0.00068%); highest among the groups gnomAD compares: Non-Finnish European, 0.00093%; no homozygotes.

Submissions (2):

Ambry Genetics
Classification: Uncertain significance for Hereditary cancer-predisposing syndrome. Last evaluated: 2025-06-27. Review status: criteria provided, single submitter. Criteria: Ambry Variant Classification Scheme 2023. Collection method: clinical testing. Allele origin: germline.
Comment: The p.S3R variant (also known as c.7A>C), located in coding exon 1 of the DICER1 gene, results from an A to C substitution at nucleotide position 7. The serine at codon 3 is replaced by arginine, an amino acid with dissimilar properties. This amino acid position is conserved. In addition, this alteration is predicted to be tolerated by in silico analysis. Based on the available evidence, the clinical significance of this variant remains unclear.

Labcorp Genetics (formerly Invitae), Labcorp
Classification: Uncertain significance for DICER1-related tumor predisposition. Last evaluated: 2022-08-01. Review status: criteria provided, single submitter. Criteria: Invitae Variant Classification Sherloc (09022015). Collection method: clinical testing. Allele origin: germline.
Comment: This sequence change replaces serine, which is neutral and polar, with arginine, which is basic and polar, at codon 3 of the DICER1 protein (p.Ser3Arg). This variant is not present in population databases (gnomAD no frequency). In summary, the available evidence is currently insufficient to determine the role of this variant in disease. Therefore, it has been classified as a Variant of Uncertain Significance. Algorithms developed to predict the effect of missense changes on protein structure and function (SIFT, PolyPhen-2, Align-GVGD) all suggest that this variant is likely to be tolerated. ClinVar contains an entry for this variant (Variation ID: 1047846). This variant has not been reported in the literature in individuals affected with DICER1-related conditions.